The following is an entry in ClinVar:

ClinVar aggregate classification (germline): Uncertain significance. Review status: criteria provided, multiple submitters, no conflicts (2 of 4 stars). 4 submissions from 4 submitters: Uncertain significance (4). Last evaluated 2025-04-29.

Conditions:
Polycystic kidney disease, adult type (PKD1). Also called: Polycystic Kidney Disease 1, Autosomal Dominant; Polycystic kidney disease 1; Polycystic kidney disease 1, severe; Polycystic Kidney, Autosomal Dominant; POLYCYSTIC KIDNEY DISEASE 1 WITH OR WITHOUT POLYCYSTIC LIVER DISEASE; POLYCYSTIC KIDNEY DISEASE, ADULT, TYPE I. Identifiers: MedGen C3149841, MONDO:0008263, OMIM 173900.
PKD1-related disorder. Also called: PKD1-related condition.

Submissions (4):

Victorian Clinical Genetics Services, Murdoch Childrens Research Institute
Classification: Uncertain significance for Polycystic kidney disease, adult type. Last evaluated: 2025-04-29. Review status: criteria provided, single submitter. Criteria: ACMG Guidelines, 2015. Collection method: clinical testing. Allele origin: germline. Affected: yes.
Comment: This variant is classified as VUS-3B. Evidence in support of pathogenic classification: Variant is absent from gnomAD (v2, v3 and v4). Additional information: Variant is predicted to result in a missense amino acid change from threonine to alanine; This variant is heterozygous; This gene is associated with autosomal dominant disease. Polycystic kidney disease 1 (MIM#173900) is predominantly caused by monoallelic variants, with rare reports of biallelic variants causing disease (OMIM); Alternative amino acid change(s) at the same position are present in gnomAD (Highest allele count: v4: 1 heterozygote(s), 0 homozygote(s)); Previous evidence of pathogenicity for this variant is inconclusive. This variant has been classified as a VUS by clinical laboratories in ClinVar; No published segregation evidence has been identified for this variant; No published functional evidence has been identified for this variant; No comparable missense variants have previous evidence for pathogenicity. p.(Thr2977Asn) has been reported in the literature in individuals with autosomal dominant polycystic kidney disease and classified as a VUS in the ADPKD database (PMIDs: 11967008, 36938073). In addition, p.(Thr2977Ile) has been classified as likely pathogenic by a clinical laboratory in ClinVar, and is classified as likely pathogenic in the ADPKD database. However, neither of these two variants are deemed comparable as they have higher Grantham scores than the variant under investigation; Variant is not located in an established domain, motif, hotspot or informative constraint region; Missense variant with inconclusive in silico prediction and uninformative conservation; Loss of function is a known mechanism of disease in this gene and is associated with polycystic kidney disease 1 (MIM#173900); Inheritance information for this variant is not currently available in this individual.

GeneDx
Classification: Uncertain significance. Last evaluated: 2025-03-14. Review status: criteria provided, single submitter. Criteria: GeneDx Variant Classification Process June 2021. Collection method: clinical testing. Allele origin: germline.
Comment: Not observed at significant frequency in large population cohorts (gnomAD); In silico analysis supports that this missense variant has a deleterious effect on protein structure/function; Has not been previously published as pathogenic or benign to our knowledge

Department of Pathology and Laboratory Medicine, Sinai Health System
Classification: Uncertain significance for Polycystic kidney disease, adult type. Last evaluated: 2023-03-03. Review status: criteria provided, single submitter. Criteria: ACMG Guidelines, 2015. Collection method: clinical testing. Allele origin: germline. Affected: yes.

PreventionGenetics, part of Exact Sciences
Classification: Uncertain significance for PKD1-related condition. Last evaluated: 2022-09-03. Review status: criteria provided, single submitter. Criteria: ACMG Guidelines, 2015. Collection method: clinical testing. Allele origin: germline.
Comment: The PKD1 c.8929A>G variant is predicted to result in the amino acid substitution p.Thr2977Ala. To our knowledge, this variant has not been reported in the literature or in a large population database, indicating this variant is rare. At this time, the clinical significance of this variant is uncertain due to the absence of conclusive functional and genetic evidence.

Literature cited by the submitters: PubMed 11967008 (cited by Victorian Clinical Genetics Services, Murdoch Childrens Research Institute); PubMed 36938073 (cited by Victorian Clinical Genetics Services, Murdoch Childrens Research Institute).

NM_001009944.3(PKD1):c.8929A>G (p.Thr2977Ala)

Gene: PKD1 (polycystin 1, transient receptor potential channel interacting; minus strand). Cytogenetic location: 16p13.3.
Variant type: single nucleotide variant.
Coding change: c.8929A>G on transcript NM_001009944.3 (MANE Select); coding-DNA position 8929, A replaced by G.
Protein change: p.Thr2977Ala; replaces threonine 2977 with alanine.
Molecular consequence: missense variant.
Genome position (GRCh38, 1-based): chr16:2,102,833, T>C on the plus strand (A>G on the coding strand, the complement: PKD1 is on the minus strand). VCF-style: chr16-2102833-T-C. GRCh37 (hg19) VCF-style: chr16-2152834-T-C.
Other names: c.8929A>G, p.Thr2977Ala (NM_000296.4); short protein forms T2977A.
Identifiers: ClinVar variation 2636204 (VCV002636204.6), dbSNP rs760382745, ClinGen allele CA394361460.